The following is an entry in ClinVar:

NM_000179.3(MSH6):c.1808dup (p.Glu604fs)

Gene: MSH6 (mutS homolog 6; plus strand). Cytogenetic location: 2p16.3.
Variant type: Duplication.
Coding change: c.1808dup on transcript NM_000179.3 (MANE Select); coding-DNA position 1808, one base duplicated (A; older notation c.1808dupA).
Protein change: p.Glu604fs; shifts the reading frame from glutamic acid 604.
Molecular consequence: frameshift variant.
Genome position (GRCh38, 1-based): chr2:47,799,791, A duplicated; the last of 3 consecutive A bases (chr2:47,799,789-47,799,791); duplicating any one gives the same sequence. VCF-style (leftmost placement, unchanged base first): chr2-47799788-C-CA. GRCh37 (hg19) VCF-style: chr2-48026927-C-CA.
Other names: c.1418dup, p.Glu474fs (NM_001281492.2); c.902dup, p.Glu302fs (NM_001281493.2, NM_001281494.2); c.1808dupA (NM_000179.2); short protein forms E302fs, E474fs, E604fs.
Identifiers: ClinVar variation 560013 (VCV000560013.2), dbSNP rs1553413200, ClinGen allele CA658822257.

ClinVar aggregate classification (germline): Pathogenic. Review status: criteria provided, single submitter (1 of 4 stars). 2 submissions from 2 submitters: Pathogenic (1). 1 of the submissions does not count toward it. Last evaluated 2024-05-22.

Conditions:
Hereditary cancer-predisposing syndrome. Also called: Hereditary neoplastic syndrome; Neoplastic Syndromes, Hereditary; Tumor predisposition; Hereditary Cancer Syndrome. Identifiers: Orphanet 140162, MedGen C0027672, MeSH D009386, MONDO:0015356.
Colon adenocarcinoma. Also called: Colonic adenocarcinoma; Adenocarcinoma of the colon. Identifiers: MedGen C0338106, MONDO:0002271, HP:0040276.

Submissions (2):

Ambry Genetics
Classification: Pathogenic for Hereditary cancer-predisposing syndrome. Last evaluated: 2024-05-22. Review status: criteria provided, single submitter. Criteria: Ambry Variant Classification Scheme 2023. Collection method: clinical testing. Allele origin: germline.
Comment: The c.1808dupA pathogenic mutation, located in coding exon 4 of the MSH6 gene, results from a duplication of A at nucleotide position 1808, causing a translational frameshift with a predicted alternate stop codon (p.E604Gfs*3). This variant is considered to be rare based on population cohorts in the Genome Aggregation Database (gnomAD). This alteration is expected to result in loss of function by premature protein truncation or nonsense-mediated mRNA decay. As such, this alteration is interpreted as a disease-causing mutation.

3DMed Clinical Laboratory Inc
Classification: Pathogenic for Adenocarcinoma of the colon. Last evaluated: 2017-02-10. Review status: no assertion criteria provided. Criteria: ACMG Guidelines, 2015. Collection method: clinical testing. Allele origin: germline. Affected: yes. Not counted in ClinVar's aggregate classification.